The following is an entry in ClinVar:

NM_000229.2(LCAT):c.719C>T (p.Ser240Phe)

Gene: LCAT (lecithin-cholesterol acyltransferase; minus strand). Cytogenetic location: 16q22.1.
Variant type: single nucleotide variant.
Coding change: c.719C>T on transcript NM_000229.2 (MANE Select); coding-DNA position 719, C replaced by T.
Protein change: p.Ser240Phe; replaces serine 240 with phenylalanine.
Molecular consequence: missense variant.
Genome position (GRCh38, 1-based): chr16:67,942,392, G>A on the plus strand (C>T on the coding strand, the complement: LCAT is on the minus strand). VCF-style: chr16-67942392-G-A. GRCh37 (hg19) VCF-style: chr16-67976295-G-A.
Other names: short protein forms S240F.
Identifiers: ClinVar variation 3537473 (VCV003537473.2).

ClinVar aggregate classification (germline): Uncertain significance (1 of 4 stars; one submission).

Conditions:
Cardiovascular phenotype. Identifiers: MedGen CN230736.

Submission:

Ambry Genetics
Classification: Uncertain significance for Cardiovascular phenotype. Last evaluated: 2025-06-28. Review status: criteria provided, single submitter. Criteria: Ambry Variant Classification Scheme 2023. Collection method: clinical testing. Allele origin: germline.
Comment: The p.S240F variant (also known as c.719C>T), located in coding exon 5 of the LCAT gene, results from a C to T substitution at nucleotide position 719. The serine at codon 240 is replaced by phenylalanine, an amino acid with highly dissimilar properties. This amino acid position is conserved. In addition, this alteration is predicted to be tolerated by in silico analysis. Based on the available evidence, the clinical significance of this variant remains unclear.